The following is an entry in ClinVar:

ClinVar aggregate classification (germline): Uncertain significance (1 of 4 stars; one submission).

Conditions:
Hereditary cancer-predisposing syndrome. Also called: Neoplastic Syndromes, Hereditary; Tumor predisposition; Hereditary neoplastic syndrome; Hereditary Cancer Syndrome. Identifiers: Orphanet 140162, MedGen C0027672, MeSH D009386, MONDO:0015356.

Submission:

Ambry Genetics
Classification: Uncertain significance for Hereditary cancer-predisposing syndrome. Last evaluated: 2025-07-21. Review status: criteria provided, single submitter. Criteria: Ambry Variant Classification Scheme 2023. Collection method: clinical testing. Allele origin: germline.
Comment: The p.D2320H variant (also known as c.6958G>C), located in coding exon 46 of the ATM gene, results from a G to C substitution at nucleotide position 6958. The aspartic acid at codon 2320 is replaced by histidine, an amino acid with similar properties. This amino acid position is conserved. In addition, the in silico prediction for this alteration is inconclusive. Based on the available evidence, the clinical significance of this variant remains unclear.

NM_000051.4(ATM):c.6958G>C (p.Asp2320His)

Genes: ATM (ATM serine/threonine kinase; plus strand), C11orf65 (chromosome 11 open reading frame 65; minus strand). Cytogenetic location: 11q22.3.
Variant type: single nucleotide variant.
Coding change: c.6958G>C on transcript NM_000051.4 (MANE Select); coding-DNA position 6958, G replaced by C.
Protein change: p.Asp2320His; replaces aspartic acid 2320 with histidine.
Molecular consequence: missense variant. On other transcripts: intron variant (2).
Genome position (GRCh38, 1-based): chr11:108,326,208, G>C. VCF-style: chr11-108326208-G-C. GRCh37 (hg19) VCF-style: chr11-108196935-G-C.
Other names: c.6958G>C, p.Asp2320His (NM_001351834.2); c.641-17137C>G (NM_001330368.2); c.*38+9012C>G (NM_001351110.2); short protein forms D2320H.
Identifiers: ClinVar variation 4169495 (VCV004169495.1).